The following is an entry in ClinVar:

NM_014336.5(AIPL1):c.577C>A (p.Arg193Ser)

Gene: AIPL1 (AIP like 1 HSP90 co-chaperone; minus strand). Cytogenetic location: 17p13.2.
Variant type: single nucleotide variant.
Coding change: c.577C>A on transcript NM_014336.5 (MANE Select); coding-DNA position 577, C replaced by A.
Protein change: p.Arg193Ser; replaces arginine 193 with serine.
Molecular consequence: missense variant.
Genome position (GRCh38, 1-based): chr17:6,426,946, G>T on the plus strand (C>A on the coding strand, the complement: AIPL1 is on the minus strand). VCF-style: chr17-6426946-G-T. GRCh37 (hg19) VCF-style: chr17-6330266-G-T.
Other names: c.388C>A, p.Arg130Ser (NM_001033054.3); c.397C>A, p.Arg133Ser (NM_001033055.3); c.541C>A, p.Arg181Ser (NM_001285399.3); c.511C>A, p.Arg171Ser (NM_001285400.3); c.577C>A, p.Arg193Ser (NM_001285401.3); c.460C>A, p.Arg154Ser (NM_001285402.2); c.553C>A, p.Arg185Ser (NM_001285403.4); short protein forms R130S, R133S, R185S, R154S, R171S, R181S, R193S.
Identifiers: ClinVar variation 1370020 (VCV001370020.4), dbSNP rs765435117, ClinGen allele CA8328464.

ClinVar aggregate classification (germline): Uncertain significance. Review status: criteria provided, multiple submitters, no conflicts (2 of 4 stars). 2 submissions from 2 submitters: Uncertain significance (2). Last evaluated 2023-03-30.

Conditions:
Leber congenital amaurosis 4 (LCA4). Identifiers: MedGen C1858386, MONDO:0011458, OMIM 604393.

Allele frequency attached by ClinVar (database versions not stated): gnomAD 0.00001.

Submissions (2):

Blueprint Genetics
Classification: Uncertain significance. Last evaluated: 2023-03-30. Review status: criteria provided, single submitter. Criteria: ACMG Guidelines, 2015. Collection method: clinical testing. Allele origin: germline.

Labcorp Genetics (formerly Invitae), Labcorp
Classification: Uncertain significance for Leber congenital amaurosis 4. Last evaluated: 2022-08-31. Review status: criteria provided, single submitter. Criteria: Invitae Variant Classification Sherloc (09022015). Collection method: clinical testing. Allele origin: germline.
Comment: This sequence change replaces arginine, which is basic and polar, with serine, which is neutral and polar, at codon 193 of the AIPL1 protein (p.Arg193Ser). This variant is present in population databases (rs765435117, gnomAD 0.009%). This variant has not been reported in the literature in individuals affected with AIPL1-related conditions. ClinVar contains an entry for this variant (Variation ID: 1370020). Algorithms developed to predict the effect of missense changes on protein structure and function (SIFT, PolyPhen-2, Align-GVGD) all suggest that this variant is likely to be tolerated. In summary, the available evidence is currently insufficient to determine the role of this variant in disease. Therefore, it has been classified as a Variant of Uncertain Significance.